The following is an entry in ClinVar:

ClinVar aggregate classification (germline): Uncertain significance (1 of 4 stars; one submission).

Submission:

Labcorp Genetics (formerly Invitae), Labcorp
Classification: Uncertain significance. Last evaluated: 2025-01-28. Review status: criteria provided, single submitter. Criteria: Invitae Variant Classification Sherloc (09022015). Collection method: clinical testing. Allele origin: germline.
Comment: This sequence change replaces glutamic acid, which is acidic and polar, with alanine, which is neutral and non-polar, at codon 702 of the AMER1 protein (p.Glu702Ala). This variant is not present in population databases (gnomAD no frequency). This variant has not been reported in the literature in individuals affected with AMER1-related conditions. An algorithm developed to predict the effect of missense changes on protein structure and function (PolyPhen-2) suggests that this variant is likely to be disruptive. In summary, the available evidence is currently insufficient to determine the role of this variant in disease. Therefore, it has been classified as a Variant of Uncertain Significance.

NM_152424.4(AMER1):c.2105A>C (p.Glu702Ala)

Gene: AMER1 (APC membrane recruitment protein 1; minus strand). Cytogenetic location: Xq11.2.
Variant type: single nucleotide variant.
Coding change: c.2105A>C on transcript NM_152424.4 (MANE Select); coding-DNA position 2105, A replaced by C.
Protein change: p.Glu702Ala; replaces glutamic acid 702 with alanine.
Molecular consequence: missense variant.
Genome position (GRCh38, 1-based): chrX:64,191,182, T>G on the plus strand (A>C on the coding strand, the complement: AMER1 is on the minus strand). VCF-style: chrX-64191182-T-G. GRCh37 (hg19) VCF-style: chrX-63411062-T-G.
Other names: short protein forms E702A.
Identifiers: ClinVar variation 3729725 (VCV003729725.2).